The following is an entry in ClinVar:

ClinVar aggregate classification (germline): Uncertain significance. Review status: reviewed by expert panel (3 of 4 stars). 7 submissions from 7 submitters: Uncertain significance (1). 6 of the submissions do not count toward it. Last evaluated 2025-07-01.

Conditions:
Cardiovascular phenotype. Identifiers: MedGen CN230736.
KCNQ1-related disorder. Also called: KCNQ1-related disorders; KCNQ1-related condition. Identifiers: MedGen CN239322.
Beckwith-Wiedemann syndrome (BWS). Also called: Exomphalos macroglossia gigantism syndrome; EMG SYNDROME. Identifiers: Orphanet 116, MedGen C0004903, MONDO:0007534, OMIM 130650.
Jervell and Lange-Nielsen syndrome 1 (JLNS1). Also called: CARDIOAUDITORY SYNDROME OF JERVELL AND LANGE-NIELSEN; DEAFNESS, CONGENITAL, AND FUNCTIONAL HEART DISEASE; SURDO-CARDIAC SYNDROME; PROLONGED QT INTERVAL IN EKG AND SUDDEN DEATH. Identifiers: Orphanet 768, Orphanet 90647, MedGen C4551509, MONDO:0024540, OMIM 220400.
Long QT syndrome 1 (LQT1). Identifiers: Orphanet 101016, Orphanet 768, MedGen C4551647, MONDO:0100316, OMIM 192500, MONDO:0008646.
Short QT syndrome type 2. Identifiers: Orphanet 51083, MedGen C1865019, MONDO:0012313, OMIM 609621.
Atrial fibrillation, familial, 3 (ATFB3). Identifiers: MedGen C1837014, MONDO:0011857, OMIM 607554.
Long QT syndrome (LQTS). Identifiers: MedGen C0023976, MeSH D008133, MONDO:0002442. Disease mechanism: loss of function. Inheritance: Various modes of inheritance.

Allele frequency attached by ClinVar (database versions not stated): ESP Exome Variant Server 0.00008; ExAC 0.00012; TOPMed 0.00022.
gnomAD v4.1: 41 of 1,597,760 alleles (0.0026%); highest among the groups gnomAD compares: African/African-American, 0.012%; no homozygotes.

Submissions (7):

ClinGen Potassium Channel Arrhythmia Variant Curation Expert Panel, ClinGen
Classification: Uncertain significance for Long QT syndrome 1. Last evaluated: 2025-07-01. Review status: reviewed by expert panel. Criteria: ClinGen KChannel ACMG Specifications KCNQ1 V1.0.0 2. Collection method: curation. Allele origin: germline. Inheritance: Autosomal dominant inheritance.
Comment: NM_000218.3(KCNQ1):c.296C>G is a missense variant predicted to cause replacement of proline with arginine at position 99. This variant is present in gnomAD v.4.1.0 at a maximum allele frequency of 0.0001201, with 9/74916 in the African / African-American population, which is higher than the ClinGen Potassium Channel Arrhythmia VCEP PM2_Supporting threshold of <0.00001, but lower than the BS1 threshold of >0.0004, so neither criterion is met. This variant is rare and has been reported in 1 proband affected with heart murmur and sudden infant death during sleep, however, QTc interval is not available and the requirement for 2 unrelated probands has not been reached so the PS4_Supporting code is not yet met (PMID: 24631775). The computational predictor REVEL gives a score of 0.861, which is above the ClinGen Potassium Channel Arrhythmia VCEP PP3 threshold of >0.75 and predicts a damaging effect on KCNQ1 function (PP3). In summary, this variant meets the criteria to be classified as a variant of uncertain significance for long QT syndrome 1 based on the ACMG/AMP criteria applied, as specified by the ClinGen Potassium Channel Arrhythmia VCEP: PP3. (VCEP specifications version 1.0.0; date of approval 03/04/2025).

Labcorp Genetics (formerly Invitae), Labcorp
Classification: Uncertain significance for Long QT syndrome. Last evaluated: 2025-09-07. Review status: criteria provided, single submitter. Criteria: Invitae Variant Classification Sherloc (09022015). Collection method: clinical testing. Allele origin: germline. Not counted in ClinVar's aggregate classification.
Comment: This sequence change replaces proline, which is neutral and non-polar, with arginine, which is basic and polar, at codon 99 of the KCNQ1 protein (p.Pro99Arg). This variant is present in population databases (rs370435862, gnomAD 0.01%). This missense change has been observed in individual(s) with sudden unexplained death (PMID: 24631775). ClinVar contains an entry for this variant (Variation ID: 200877). Invitae Evidence Modeling of protein sequence and biophysical properties (such as structural, functional, and spatial information, amino acid conservation, physicochemical variation, residue mobility, and thermodynamic stability) has been performed for this missense variant. However, the output from this modeling did not meet the statistical confidence thresholds required to predict the impact of this variant on KCNQ1 protein function. In summary, the available evidence is currently insufficient to determine the role of this variant in disease. Therefore, it has been classified as a Variant of Uncertain Significance.

GeneDx
Classification: Uncertain significance. Last evaluated: 2025-03-12. Review status: criteria provided, single submitter. Criteria: GeneDx Variant Classification Process June 2021. Collection method: clinical testing. Allele origin: germline. Affected: yes. Not counted in ClinVar's aggregate classification.
Comment: Identified in one case of sudden unexplained death in the young (SUDY) in the published literature (PMID: 24631775); Not observed at significant frequency in large population cohorts (gnomAD); In silico analysis indicates that this missense variant does not alter protein structure/function; This variant is associated with the following publications: (PMID: 28316956, 29247119, 24631775)

Ambry Genetics
Classification: Uncertain significance for Cardiovascular phenotype. Last evaluated: 2024-12-02. Review status: criteria provided, single submitter. Criteria: Ambry Variant Classification Scheme 2023. Collection method: clinical testing. Allele origin: germline. Not counted in ClinVar's aggregate classification.
Comment: The p.P99R variant (also known as c.296C>G), located in coding exon 1 of the KCNQ1 gene, results from a C to G substitution at nucleotide position 296. The proline at codon 99 is replaced by arginine, an amino acid with dissimilar properties. This alteration has been reported in a sudden unexplained death cohort (Wang D et al. Forensic Sci. Int., 2014 Apr;237:90-9). This missense alteration is located in a region that has a low rate of benign missense variation (Lek M et al. Nature. 2016 Aug 18;536(7616):285-91; DECIPHER: Database of Chromosomal Imbalance and Phenotype in Humans using Ensembl Resources. Firth H.V. et al. 2009. Am.J.Hum.Genet. 84, 524-533 (DOI)). This amino acid position is well conserved in available vertebrate species. In addition, this alteration is predicted to be deleterious by in silico analysis. Since supporting evidence is limited at this time, the clinical significance of this alteration remains unclear.

Blueprint Genetics
Classification: Likely benign. Last evaluated: 2022-07-13. Review status: criteria provided, single submitter. Criteria: ACMG Guidelines, 2015. Collection method: clinical testing. Allele origin: germline. Not counted in ClinVar's aggregate classification.

Fulgent Genetics
Classification: Uncertain significance for Beckwith-Wiedemann syndrome; Long QT syndrome 1; Jervell and Lange-Nielsen syndrome 1; Atrial fibrillation, familial, 3; Short QT syndrome type 2. Last evaluated: 2021-07-19. Review status: criteria provided, single submitter. Criteria: ACMG Guidelines, 2015. Collection method: clinical testing. Allele origin: unknown. Not counted in ClinVar's aggregate classification.

PreventionGenetics, part of Exact Sciences
Classification: Uncertain significance for KCNQ1-related condition. Last evaluated: 2024-06-26. Review status: no assertion criteria provided. Collection method: clinical testing. Allele origin: germline. Not counted in ClinVar's aggregate classification.
Comment: The KCNQ1 c.296C>G variant is predicted to result in the amino acid substitution p.Pro99Arg. This variant was reported in at least one patient with sudden unexplained death (Wang et al. 2014. PubMed ID: 24631775; Table S3, Lin et al. 2017. PubMed ID: 29247119). This variant is reported in 0.014% of alleles in individuals of African descent in gnomAD. At this time, the clinical significance of this variant is uncertain due to the absence of conclusive functional and genetic evidence.

Literature cited by the submitters: PubMed 24631775 (cited by Labcorp Genetics (formerly Invitae), Labcorp and Ambry Genetics); PubMed 29247119 (cited by Ambry Genetics).

NM_000218.3(KCNQ1):c.296C>G (p.Pro99Arg)

Gene: KCNQ1 (potassium voltage-gated channel subfamily Q member 1; plus strand). Cytogenetic location: 11p15.5.
Variant type: single nucleotide variant.
Coding change: c.296C>G on transcript NM_000218.3 (MANE Select); coding-DNA position 296, C replaced by G.
Protein change: p.Pro99Arg; replaces proline 99 with arginine.
Molecular consequence: missense variant.
Genome position (GRCh38, 1-based): chr11:2,445,394, C>G. VCF-style: chr11-2445394-C-G. GRCh37 (hg19) VCF-style: chr11-2466624-C-G.
Other names: p.P99R:CCG>CGG; NM_000218.3(KCNQ1):c.296C>G; p.Pro99Arg; short protein forms P99R.
Identifiers: ClinVar variation 200877 (VCV000200877.23), dbSNP rs370435862, ClinGen allele CA006767.
Genomic context (GRCh38, chr11:2,445,394, plus strand): 5'-TTGGCCCGCGGCCGCCGGTGAGCCTAGACCCGCGCGTCTCCATCTACAGCACGCGCCGCC[C>G]GGTGTTGGCGCGCACCCACGTCCAGGGCCGCGTCTACAACTTCCTCGAGCGTCCCACCGG-3'
Protein context (NP_000209.2, residues 89-109): PRVSIYSTRR[Pro99Arg]VLARTHVQGR